The following is an entry in ClinVar:

NM_001142800.2(EYS):c.7675A>G (p.Thr2559Ala)

Gene: EYS (EGF-like photoreceptor maintenance factor; minus strand). Cytogenetic location: 6q12.
Variant type: single nucleotide variant.
Coding change: c.7675A>G on transcript NM_001142800.2 (MANE Select); coding-DNA position 7675, A replaced by G.
Protein change: p.Thr2559Ala; replaces threonine 2559 with alanine.
Molecular consequence: missense variant.
Genome position (GRCh38, 1-based): chr6:63,788,153, T>C on the plus strand (A>G on the coding strand, the complement: EYS is on the minus strand). VCF-style: chr6-63788153-T-C. GRCh37 (hg19) VCF-style: chr6-64498046-T-C.
Other names: c.7675A>G, p.Thr2559Ala (NM_001292009.2); short protein forms T2559A.
Identifiers: ClinVar variation 1392579 (VCV001392579.6), dbSNP rs1770414715, ClinGen allele CA364384929.

ClinVar aggregate classification (germline): Uncertain significance (1 of 4 stars; one submission).

Allele frequency attached by ClinVar (database versions not stated): gnomAD exomes below 0.00001.
gnomAD v4.1: 2 of 1,549,042 alleles (0.00013%); highest among the groups gnomAD compares: Non-Finnish European, 0.00017%; no homozygotes.

Submission:

Labcorp Genetics (formerly Invitae), Labcorp
Classification: Uncertain significance. Last evaluated: 2022-03-18. Review status: criteria provided, single submitter. Criteria: Invitae Variant Classification Sherloc (09022015). Collection method: clinical testing. Allele origin: germline.
Comment: In summary, the available evidence is currently insufficient to determine the role of this variant in disease. Therefore, it has been classified as a Variant of Uncertain Significance. Algorithms developed to predict the effect of missense changes on protein structure and function (SIFT, PolyPhen-2, Align-GVGD) all suggest that this variant is likely to be tolerated. This variant has not been reported in the literature in individuals affected with EYS-related conditions. This variant is not present in population databases (gnomAD no frequency). This sequence change replaces threonine, which is neutral and polar, with alanine, which is neutral and non-polar, at codon 2559 of the EYS protein (p.Thr2559Ala).